The following is an entry in ClinVar:

ClinVar aggregate classification (germline): Benign/Likely benign. Review status: criteria provided, multiple submitters, no conflicts (2 of 4 stars). 3 submissions from 3 submitters: Benign (1); Likely benign (2). Last evaluated 2025-02-17.

Conditions:
Hereditary cancer-predisposing syndrome. Also called: Tumor predisposition; Hereditary Cancer Syndrome; Neoplastic Syndromes, Hereditary; Hereditary neoplastic syndrome. Identifiers: Orphanet 140162, MedGen C0027672, MeSH D009386, MONDO:0015356.
Renal cell carcinoma. Identifiers: Orphanet 217071, MedGen C0007134, MeSH D002292, MONDO:0005086, HP:0005584.
Papillary renal cell carcinoma type 1 (RCCP1). Also called: RENAL CELL CARCINOMA, PAPILLARY, 1, SOMATIC; Renal adenocarcinoma; Renal cell carcinoma 1; Renal cell carcinoma, somatic. Identifiers: Orphanet 47044, MedGen C1336839, OMIM 605074, HP:0011797.

Submissions (3):

Labcorp Genetics (formerly Invitae), Labcorp
Classification: Likely benign for Renal cell carcinoma. Last evaluated: 2025-02-17. Review status: criteria provided, single submitter. Criteria: Invitae Variant Classification Sherloc (09022015). Collection method: clinical testing. Allele origin: germline.

Myriad Genetics, Inc.
Classification: Benign for Papillary renal cell carcinoma type 1. Last evaluated: 2024-11-12. Review status: criteria provided, single submitter. Criteria: Myriad Autosomal Dominant, Autosomal Recessive and X-Linked Classification Criteria (2023). Collection method: clinical testing. Allele origin: unknown.
Comment: This variant is considered benign. This variant is a silent/synonymous amino acid change and it is not expected to impact splicing.

Ambry Genetics
Classification: Likely benign for Hereditary cancer-predisposing syndrome. Last evaluated: 2022-03-29. Review status: criteria provided, single submitter. Criteria: Ambry Variant Classification Scheme 2023. Collection method: clinical testing. Allele origin: germline.

NM_000245.4(MET):c.2589T>C (p.Asn863=)

Gene: MET (MET proto-oncogene, receptor tyrosine kinase; plus strand). Cytogenetic location: 7q31.2.
Variant type: single nucleotide variant.
Coding change: c.2589T>C on transcript NM_000245.4 (MANE Select); coding-DNA position 2589, T replaced by C.
Protein change: p.Asn863=; no amino-acid change (asparagine 863 retained).
Molecular consequence: synonymous variant.
Genome position (GRCh38, 1-based): chr7:116,769,650, T>C. VCF-style: chr7-116769650-T-C. GRCh37 (hg19) VCF-style: chr7-116409704-T-C.
Other names: c.2643T>C, p.Asn881= (NM_001127500.3); c.2589T>C, p.Asn863= (NM_001324401.3); c.1299T>C, p.Asn433= (NM_001324402.2).
Identifiers: ClinVar variation 1794223 (VCV001794223.5), dbSNP rs2116982492, ClinGen allele CA457441703.